The following is an entry in ClinVar:

ClinVar aggregate classification (germline): Benign/Likely benign. Review status: criteria provided, multiple submitters, no conflicts (2 of 4 stars). 5 submissions from 5 submitters: Benign (1); Likely benign (3). 1 of the submissions does not count toward it. Last evaluated 2026-01-19.

Conditions:
Hyperuricemic nephropathy, familial juvenile type 4 (ADTKD5). Identifiers: MedGen C4310741, MONDO:0014891, OMIM 617056.

Allele frequency attached by ClinVar (database versions not stated): ExAC 0.00058; gnomAD exomes 0.00069; ESP Exome Variant Server 0.00054; 1000 Genomes Project 30x 0.00062; gnomAD 0.00084 and 0.00086; TOPMed 0.00113; 1000 Genomes Project 0.00040.
gnomAD v4.1: 1,356 of 1,614,152 alleles (0.084%); highest among the groups gnomAD compares: Admixed American, 0.13%; 5 homozygotes.

Submissions (11):

Labcorp Genetics (formerly Invitae), Labcorp
Classification: Benign. Last evaluated: 2026-01-19. Review status: criteria provided, single submitter. Criteria: Invitae Variant Classification Sherloc (09022015). Collection method: clinical testing. Allele origin: germline.

CeGaT Center for Human Genetics Tuebingen
Classification: Likely benign. Last evaluated: 2025-07-01. Review status: criteria provided, single submitter. Criteria: CeGaT Center For Human Genetics Tuebingen Variant Classification Criteria Version 2. Collection method: clinical testing. Allele origin: germline. Affected: yes. Observed: 2 variant alleles.
Comment: SEC61A1: BP4, BP7

Blueprint Genetics
Classification: Likely benign. Last evaluated: 2024-11-22. Review status: criteria provided, single submitter. Criteria: ACMG Guidelines, 2015. Collection method: clinical testing. Allele origin: germline.

Fulgent Genetics
Classification: Likely benign for Hyperuricemic nephropathy, familial juvenile type 4. Last evaluated: 2022-05-18. Review status: criteria provided, single submitter. Criteria: ACMG Guidelines, 2015. Collection method: clinical testing. Allele origin: unknown.

Genetic Services Laboratory, University of Chicago
Classification: Benign. Last evaluated: 2022-11-03. Review status: no assertion criteria provided. Collection method: clinical testing. Allele origin: germline. Affected: no. Not counted in ClinVar's aggregate classification.

Dr. Peter K. Rogan Lab, Western University
No classification provided (evidence only). Condition: Thyroid cancer, nonmedullary, 1. Review status: no classification provided. Collection method: in vitro. Allele origin: not applicable. Functional consequence: retained intron. Not counted in ClinVar's aggregate classification.

Dr. Peter K. Rogan Lab, Western University
No classification provided (evidence only). Condition: Cervical cancer. Review status: no classification provided. Collection method: in vitro. Allele origin: not applicable. Functional consequence: retained intron. Not counted in ClinVar's aggregate classification.

Dr. Peter K. Rogan Lab, Western University
No classification provided (evidence only). Condition: Nonpapillary renal cell carcinoma. Review status: no classification provided. Collection method: in vitro. Allele origin: not applicable. Functional consequence: retained intron. Not counted in ClinVar's aggregate classification.

Dr. Peter K. Rogan Lab, Western University
No classification provided (evidence only). Condition: Nonpapillary renal cell carcinoma. Review status: no classification provided. Collection method: in vitro. Allele origin: not applicable. Functional consequence: retained intron. Not counted in ClinVar's aggregate classification.

Dr. Peter K. Rogan Lab, Western University
No classification provided (evidence only). Condition: Ovarian serous cystadenocarcinoma. Review status: no classification provided. Collection method: in vitro. Allele origin: not applicable. Functional consequence: retained intron. Not counted in ClinVar's aggregate classification.

Dr. Peter K. Rogan Lab, Western University
No classification provided (evidence only). Condition: Malignant tumor of esophagus. Review status: no classification provided. Collection method: in vitro. Allele origin: not applicable. Functional consequence: retained intron. Not counted in ClinVar's aggregate classification.

NM_013336.4(SEC61A1):c.784C>A (p.Arg262=)

Genes: RUVBL1 (RuvB like AAA ATPase 1; minus strand), SEC61A1 (SEC61 translocon subunit alpha 1; plus strand). Cytogenetic location: 3q21.3.
Variant type: single nucleotide variant.
Coding change: c.784C>A on transcript NM_013336.4 (MANE Select); coding-DNA position 784, C replaced by A.
Protein change: p.Arg262=; no amino-acid change (arginine 262 retained).
Molecular consequence: synonymous variant. On other transcripts: intron variant (1).
Genome position (GRCh38, 1-based): chr3:128,066,960, C>A. VCF-style: chr3-128066960-C-A. GRCh37 (hg19) VCF-style: chr3-127785803-C-A.
Other names: c.802C>A, p.Arg268= (NM_001400328.1); c.625C>A, p.Arg209= (NM_001400329.1); c.940-1740G>T (NM_001319086.1); c.784C>A (NM_013336.3).
Identifiers: ClinVar variation 1170774 (VCV001170774.27), dbSNP rs144643278, ClinGen allele CA2598519.
Genomic context (GRCh38, chr3:128,066,960, plus strand): 5'-GCAGCAGGCTGAAATGAGGCAGTGAAGGGGATTTGGTTCTGTTTGGCTTCTCAGGGCTTC[C>A]GAGTGGACCTGCCAATCAAGTCGGCCCGCTACCGTGGCCAGTACAACACCTATCCCATCA-3'
Protein context (NP_037468.1, residues 252-272): FAVVIYFQGF[Arg262=]VDLPIKSARY